The following is an entry in ClinVar:

ClinVar aggregate classification (germline): Conflicting classifications of pathogenicity. Review status: criteria provided, conflicting classifications (1 of 4 stars). 2 submissions from 2 submitters: Uncertain significance (1); Likely benign (1). Last evaluated 2026-02-10.

Conditions:
CARD14-related disorder. Also called: CARD14-related condition.
Psoriasis 2. Identifiers: MedGen C1864497, MONDO:0011269, OMIM 602723.
Pityriasis rubra pilaris (PRP). Also called: Pityriasis rubra pilaris--familial type. Identifiers: Orphanet 2897, MedGen C0032027, MONDO:0100017, OMIM 173200, MONDO:0008251.

Allele frequency attached by ClinVar (database versions not stated): gnomAD 0.00001; gnomAD exomes 0.00001 and 0.00003; TOPMed 0.00001; ExAC 0.00002.
gnomAD v4.1: 15 of 1,611,186 alleles (0.00093%); highest among the groups gnomAD compares: East Asian, 0.0045%; no homozygotes.

Submissions (2):

PreventionGenetics, part of Exact Sciences
Classification: Uncertain significance for CARD14-related condition. Last evaluated: 2026-02-10. Review status: criteria provided, single submitter. Criteria: ACMG Guidelines, 2015. Collection method: clinical testing. Allele origin: germline.
Comment: The CARD14 c.1148G>A variant is predicted to result in the amino acid substitution p.Arg383His. To our knowledge, this variant has not been reported in the literature. This variant is reported in 0.0063% of alleles in individuals of African descent in gnomAD. At this time, the clinical significance of this variant is uncertain due to the absence of conclusive functional and genetic evidence.

Labcorp Genetics (formerly Invitae), Labcorp
Classification: Likely benign for Pityriasis rubra pilaris; Psoriasis 2. Last evaluated: 2021-05-10. Review status: criteria provided, single submitter. Criteria: Invitae Variant Classification Sherloc (09022015). Collection method: clinical testing. Allele origin: germline.

NM_001366385.1(CARD14):c.1851+8G>A

Gene: CARD14 (caspase recruitment domain family member 14; plus strand). Cytogenetic location: 17q25.3.
Variant type: single nucleotide variant.
Coding change: c.1851+8G>A on transcript NM_001366385.1 (MANE Select); 8 bases into the intron after coding-DNA position 1851, G replaced by A.
Molecular consequence: intron variant. On other transcripts: missense variant (1).
Genome position (GRCh38, 1-based): chr17:80,198,599, G>A. VCF-style: chr17-80198599-G-A. GRCh37 (hg19) VCF-style: chr17-78172398-G-A.
Other names: c.1148G>A, p.Arg383His (NM_052819.3); c.1851+8G>A (NM_024110.4, NM_001257970.1); c.1148G>A (NM_052819.2); short protein forms R383H.
Identifiers: ClinVar variation 1086789 (VCV001086789.10), dbSNP rs770747080, ClinGen allele CA8817021.